The following is an entry in ClinVar:

ClinVar aggregate classification (germline): Uncertain significance (1 of 4 stars; one submission).

Conditions:
Fanconi anemia (FA). Also called: Fanconi's anemia. Identifiers: Orphanet 84, MedGen C0015625, MeSH D005199, MONDO:0019391.

Submission:

Labcorp Genetics (formerly Invitae), Labcorp
Classification: Uncertain significance for Fanconi anemia. Last evaluated: 2022-07-23. Review status: criteria provided, single submitter. Criteria: Invitae Variant Classification Sherloc (09022015). Collection method: clinical testing. Allele origin: germline.
Comment: In summary, the available evidence is currently insufficient to determine the role of this variant in disease. Therefore, it has been classified as a Variant of Uncertain Significance. Algorithms developed to predict the effect of sequence changes on RNA splicing suggest that this variant may disrupt the consensus splice site. This variant has not been reported in the literature in individuals affected with FANCC-related conditions. This variant is present in population databases (no rsID available, gnomAD 0.006%). This variant, c.540_557del, results in the deletion of 6 amino acid(s) of the FANCC protein (p.Ala181_Val186del), but otherwise preserves the integrity of the reading frame.

NM_000136.3(FANCC):c.540_557del (p.Ala181_Val186del)

Genes: AOPEP (aminopeptidase O (putative); plus strand), FANCC (FA complementation group C; minus strand). Cytogenetic location: 9q22.32.
Variant type: Deletion.
Coding change: c.540_557del on transcript NM_000136.3 (MANE Select); coding-DNA positions 540 to 557, 18 bases deleted (GGCGTCCCTGTCACGAGT).
Protein change: p.Ala181_Val186del.
Molecular consequence: inframe deletion.
Genome position (GRCh38, 1-based): chr9:95,150,052-95,150,069, ACTCGTGACAGGGACGCC deleted on the plus strand (GGCGTCCCTGTCACGAGT on the coding strand, the reverse complement: FANCC is on the minus strand); deleting any 18 consecutive bases within chr9:95,150,052-95,150,074 gives the same sequence; the c. name uses the placement nearest the transcript's 3' end. VCF-style (leftmost placement, unchanged base first): chr9-95150051-AACTCGTGACAGGGACGCC-A. GRCh37 (hg19) VCF-style: chr9-97912333-AACTCGTGACAGGGACGCC-A.
Other names: c.540_557del, p.Ala181_Val186del (NM_001243743.2, NM_001243744.2).
Identifiers: ClinVar variation 2019182 (VCV002019182.4), dbSNP rs1261963605, ClinGen allele CA589261934.
Genomic context (GRCh38, chr9:95,150,051, plus strand): 5'-ACAGATGAGGAGAGCCTCCACCAGGGGGTCAACATCTGTCAGGGTAATAAGTGGGACACA[AACTCGTGACAGGGACGCC>A]ACTCGCTCGGGAGCCATTCTATGGAAGAAATAAGAAATAATCACTCAAATCTAAGAGCCA-3'